The following is an entry in ClinVar:

ClinVar aggregate classification (germline): Conflicting classifications of pathogenicity. Review status: criteria provided, conflicting classifications (1 of 4 stars). 5 submissions from 5 submitters: Uncertain significance (2); Likely benign (2). 1 of the submissions does not count toward it. Last evaluated 2026-01-26.

Conditions:
SPEG-related disorder. Also called: SPEG-related condition.
Inborn genetic diseases. Identifiers: MedGen C0950123, MeSH D030342.
Myopathy, centronuclear, 5 (CNM5). Identifiers: Orphanet 169186, MedGen C4014814, MONDO:0014418, OMIM 615959.

Allele frequency attached by ClinVar (database versions not stated): gnomAD exomes 0.00009 and 0.00026; ExAC 0.00040; gnomAD 0.00106 and 0.00113; 1000 Genomes Project 0.00120; 1000 Genomes Project 30x 0.00125; TOPMed 0.00127; ESP Exome Variant Server 0.00169.
gnomAD v4.1: 310 of 1,613,570 alleles (0.019%); highest among the groups gnomAD compares: African/African-American, 0.38%; 2 homozygotes.

Submissions (5):

Labcorp Genetics (formerly Invitae), Labcorp
Classification: Likely benign. Last evaluated: 2026-01-26. Review status: criteria provided, single submitter. Criteria: Invitae Variant Classification Sherloc (09022015). Collection method: clinical testing. Allele origin: germline.

Ambry Genetics
Classification: Uncertain significance for Inborn genetic diseases. Last evaluated: 2025-01-24. Review status: criteria provided, single submitter. Criteria: Ambry Variant Classification Scheme 2023. Collection method: clinical testing. Allele origin: germline.

Blueprint Genetics
Classification: Likely benign. Last evaluated: 2024-06-10. Review status: criteria provided, single submitter. Criteria: ACMG Guidelines, 2015. Collection method: clinical testing. Allele origin: germline.

Revvity Omics, Revvity
Classification: Uncertain significance for Myopathy, centronuclear, 5. Last evaluated: 2022-01-11. Review status: criteria provided, single submitter. Criteria: ACMG Guidelines, 2015. Collection method: clinical testing. Allele origin: germline.

PreventionGenetics, part of Exact Sciences
Classification: Likely benign for SPEG-related condition. Last evaluated: 2022-03-28. Review status: no assertion criteria provided. Collection method: clinical testing. Allele origin: germline. Not counted in ClinVar's aggregate classification.
Comment: This variant is classified as likely benign based on ACMG/AMP sequence variant interpretation guidelines (Richards et al. 2015 PMID: 25741868, with internal and published modifications).

NM_005876.5(SPEG):c.4400G>A (p.Arg1467Gln)

Gene: SPEG (striated muscle enriched protein kinase; plus strand). Cytogenetic location: 2q35.
Variant type: single nucleotide variant.
Coding change: c.4400G>A on transcript NM_005876.5 (MANE Select); coding-DNA position 4400, G replaced by A.
Protein change: p.Arg1467Gln; replaces arginine 1467 with glutamine.
Molecular consequence: missense variant.
Genome position (GRCh38, 1-based): chr2:219,473,856, G>A. VCF-style: chr2-219473856-G-A. GRCh37 (hg19) VCF-style: chr2-220338578-G-A.
Other names: c.4400G>A (NM_005876.4); short protein forms R1467Q.
Identifiers: ClinVar variation 1472366 (VCV001472366.15), dbSNP rs181222936, ClinGen allele CA2126485.
Genomic context (GRCh38, chr2:219,473,856, plus strand): 5'-ACTGTCTTCGGATCTGCCGGGTGAGCCGCCGGGACATGGGGGCCCTCACCTGCACCGCCC[G>A]AAACCGTCACGGCACACAGACCTGCTCGGTCACATTGGAGCTGGCAGGTGGGTGACAGCG-3'
Protein context (NP_005867.3, residues 1457-1477): RDMGALTCTA[Arg1467Gln]NRHGTQTCSV